The following is an entry in ClinVar:

ClinVar aggregate classification (germline): Pathogenic (1 of 4 stars; one submission).

Conditions:
ERCC2-related disorder. Also called: ERCC2-related conditions; ERCC2-related condition; ERCC2-related disorders. Identifiers: MedGen CN239291.

Submission:

Myriad Genetics, Inc.
Classification: Pathogenic for ERCC2-related disorder. Last evaluated: 2024-11-03. Review status: criteria provided, single submitter. Criteria: Myriad Autosomal Dominant, Autosomal Recessive and X-Linked Classification Criteria (2023). Collection method: clinical testing. Allele origin: unknown.
Comment: NM_000400.3(ERCC2):c.509delT(L170Pfs*11) is expected to be pathogenic in the context of ERCC2-related disorders. This variant is predicted to lead to an abnormal or absent protein product due to the creation of a premature termination codon in ERCC2, a gene where loss-of-function variants are known to be pathogenic. Please note: this variant was assessed in the context of healthy population screening.

NM_000400.4(ERCC2):c.509del (p.Leu170fs)

Gene: ERCC2 (ERCC excision repair 2, TFIIH core complex helicase subunit; minus strand). Cytogenetic location: 19q13.32.
Variant type: Deletion.
Coding change: c.509del on transcript NM_000400.4 (MANE Select); coding-DNA position 509, one base deleted (T; older notation c.509delT).
Protein change: p.Leu170fs; shifts the reading frame from leucine 170.
Molecular consequence: frameshift variant. On other transcripts: non-coding transcript variant (3).
Genome position (GRCh38, 1-based): chr19:45,364,923, A deleted on the plus strand (T on the coding strand, the reverse complement: ERCC2 is on the minus strand). VCF-style (leftmost placement, unchanged base first): chr19-45364922-GA-G. GRCh37 (hg19) VCF-style: chr19-45868180-GA-G.
Other names: c.437del, p.Leu146fs (NM_001130867.2, NM_001440355.1); c.431del, p.Leu144fs (NM_001440356.1); c.386del, p.Leu129fs (NM_001440357.1); short protein forms L129fs, L144fs, L146fs, L170fs.
Identifiers: ClinVar variation 5013702 (VCV005013702.1).